The following is an entry in ClinVar:

ClinVar aggregate classification (germline): Likely benign. Review status: criteria provided, single submitter (1 of 4 stars). 2 submissions from 2 submitters: Likely benign (1). 1 of the submissions does not count toward it. Last evaluated 2024-10-07.

Conditions:
PDE1C-related disorder. Also called: PDE1C-related condition.

Allele frequency attached by ClinVar (database versions not stated): ExAC 0.00129; 1000 Genomes Project 0.00379; 1000 Genomes Project 30x 0.00390; gnomAD 0.00416; TOPMed 0.00431; ESP Exome Variant Server 0.00469.

Submissions (5):

Blueprint Genetics
Classification: Likely benign. Last evaluated: 2024-10-07. Review status: criteria provided, single submitter. Criteria: ACMG Guidelines, 2015. Collection method: clinical testing. Allele origin: germline.

PreventionGenetics, part of Exact Sciences
Classification: Benign for PDE1C-related condition. Last evaluated: 2019-09-26. Review status: no assertion criteria provided. Collection method: clinical testing. Allele origin: germline. Not counted in ClinVar's aggregate classification.
Comment: This variant is classified as benign based on ACMG/AMP sequence variant interpretation guidelines (Richards et al. 2015 PMID: 25741868, with internal and published modifications).

Dr. Peter K. Rogan Lab, Western University
No classification provided (evidence only). Condition: Clear cell carcinoma of kidney. Review status: no classification provided. Collection method: in vitro. Allele origin: not applicable. Functional consequence: retained intron. Not counted in ClinVar's aggregate classification.

Dr. Peter K. Rogan Lab, Western University
No classification provided (evidence only). Condition: Lung cancer. Review status: no classification provided. Collection method: in vitro. Allele origin: not applicable. Functional consequence: retained intron. Not counted in ClinVar's aggregate classification.

Dr. Peter K. Rogan Lab, Western University
No classification provided (evidence only). Condition: Nonpapillary renal cell carcinoma. Review status: no classification provided. Collection method: in vitro. Allele origin: not applicable. Functional consequence: retained intron. Not counted in ClinVar's aggregate classification.

NM_001191057.4(PDE1C):c.-3G>A

Gene: PDE1C (phosphodiesterase 1C; minus strand). Cytogenetic location: 7p14.3.
Variant type: single nucleotide variant.
Coding change: c.-3G>A on transcript NM_001191057.4 (MANE Select); 3 bases upstream of the start codon, G replaced by A.
Molecular consequence: 5 prime UTR variant. On other transcripts: intron variant (3), splice acceptor variant (3).
Genome position (GRCh38, 1-based): chr7:32,070,396, C>T on the plus strand (G>A on the coding strand, the complement: PDE1C is on the minus strand). VCF-style: chr7-32070396-C-T. GRCh37 (hg19) VCF-style: chr7-32110008-C-T.
Other names: NC_000007.13:g.32110008C>T; c.-3G>A (NM_001191056.3, NM_001322055.2, NM_001322057.2); c.308+99389G>A (NM_001191058.4, NM_001322058.2); c.-2-1G>A (NM_001191059.4, NM_005020.5, NM_001322056.2); c.533+99389G>A (NM_001322059.2).
Identifiers: ClinVar variation 3037891 (VCV003037891.4), dbSNP rs78124500, ClinGen allele CA4211366.